The following is an entry in ClinVar:

NM_001195263.2(PDZD7):c.2357G>A (p.Arg786Gln)

Gene: PDZD7 (PDZ domain containing 7; minus strand). Cytogenetic location: 10q24.31.
Variant type: single nucleotide variant.
Coding change: c.2357G>A on transcript NM_001195263.2 (MANE Select); coding-DNA position 2357, G replaced by A.
Protein change: p.Arg786Gln; replaces arginine 786 with glutamine.
Molecular consequence: missense variant.
Genome position (GRCh38, 1-based): chr10:101,010,532, C>T on the plus strand (G>A on the coding strand, the complement: PDZD7 is on the minus strand). VCF-style: chr10-101010532-C-T. GRCh37 (hg19) VCF-style: chr10-102770289-C-T.
Other names: short protein forms R786Q.
Identifiers: ClinVar variation 178524 (VCV000178524.32), dbSNP rs113570783, ClinGen allele CA182489.
Genomic context (GRCh38, chr10:101,010,532, plus strand): 5'-CTGGGGGCAGGGGTAGGCACCGGGGATGGGGAGCGTCTACCTGGAGACTTGCCTTGACCC[C>T]GGCTGCTGCGGCTGCGGCTGCGGCTACGGCTGCGGCTACGGCTCTGAGCCCGGCCCCGGA-3'
Protein context (NP_001182192.1, residues 776-796): SRSRSRSRSS[Arg786Gln]GQGKSPGRRS

ClinVar aggregate classification (germline): Conflicting classifications of pathogenicity. Review status: criteria provided, conflicting classifications (1 of 4 stars). 6 submissions from 6 submitters: Uncertain significance (1); Likely benign (5). Last evaluated 2025-11-04.

Conditions:
PDZD7-related disorder. Also called: PDZD7-related disorders; PDZD7-related condition.

Allele frequency attached by ClinVar (database versions not stated): ExAC 0.00009; gnomAD exomes 0.00020; 1000 Genomes Project 0.00060; 1000 Genomes Project 30x 0.00078; gnomAD 0.00097 and 0.00098; TOPMed 0.00106.
gnomAD v4.1: 299 of 1,516,090 alleles (0.02%); highest among the groups gnomAD compares: African/African-American, 0.31%; 2 homozygotes.

Submissions (6):

Labcorp Genetics (formerly Invitae), Labcorp
Classification: Likely benign. Last evaluated: 2025-11-04. Review status: criteria provided, single submitter. Criteria: Invitae Variant Classification Sherloc (09022015). Collection method: clinical testing. Allele origin: germline.

PreventionGenetics, part of Exact Sciences
Classification: Likely benign for PDZD7-related condition. Last evaluated: 2025-05-23. Review status: criteria provided, single submitter. Criteria: ACMG Guidelines, 2015. Collection method: clinical testing. Allele origin: germline.
Comment: This variant is classified as likely benign based on ACMG/AMP sequence variant interpretation guidelines (Richards et al. 2015 PMID: 25741868, with internal and published modifications).

CeGaT Center for Human Genetics Tuebingen
Classification: Likely benign. Last evaluated: 2025-01-01. Review status: criteria provided, single submitter. Criteria: CeGaT Center For Human Genetics Tuebingen Variant Classification Criteria Version 2. Collection method: clinical testing. Allele origin: germline. Affected: yes. Observed: 1 variant allele.
Comment: PDZD7: BP4

Blueprint Genetics
Classification: Likely benign. Last evaluated: 2024-07-16. Review status: criteria provided, single submitter. Criteria: ACMG Guidelines, 2015. Collection method: clinical testing. Allele origin: germline.

GeneDx
Classification: Uncertain significance. Last evaluated: 2020-10-29. Review status: criteria provided, single submitter. Criteria: GeneDx Variant Classification Process June 2021. Collection method: clinical testing. Allele origin: germline. Affected: yes.
Comment: In silico analysis, which includes protein predictors and evolutionary conservation, supports that this variant does not alter protein structure/function; Has not been previously published as pathogenic or benign to our knowledge

Laboratory for Molecular Medicine, Mass General Brigham Personalized Medicine
Classification: Likely benign. Last evaluated: 2013-09-08. Review status: criteria provided, single submitter. Criteria: LMM Criteria. Collection method: clinical testing. Allele origin: germline. Observed: 1 variant allele.
Comment: Arg786Gln in Exon 15 of PDZD7: This variant is not expected to have clinical sig nficance because the Arg residue at position 786 is not conserved across species and computational tools (biochemical amino acid properties, AlignGVGD, PolyPhen -2, SIFT) suggest that the variant will not impact the protein. This variant is reported in dbSNP in 1/10 individuals from Bushman population (dbSNP rs113570783 ).